The following is an entry in ClinVar:

NM_001267550.2(TTN):c.91G>A (p.Gly31Ser)

Gene: TTN (titin; minus strand). Cytogenetic location: 2q31.2.
Variant type: single nucleotide variant.
Coding change: c.91G>A on transcript NM_001267550.2 (MANE Select); coding-DNA position 91, G replaced by A.
Protein change: p.Gly31Ser; replaces glycine 31 with serine.
Molecular consequence: missense variant.
Genome position (GRCh38, 1-based): chr2:178,804,552, C>T on the plus strand (G>A on the coding strand, the complement: TTN is on the minus strand). VCF-style: chr2-178804552-C-T. GRCh37 (hg19) VCF-style: chr2-179669279-C-T.
Other names: c.91G>A, p.Gly31Ser (NM_001256850.1, NM_003319.4, NM_133378.4 and 3 more transcripts); short protein forms G31S.
Identifiers: ClinVar variation 4687099 (VCV004687099.1).

ClinVar aggregate classification (germline): Uncertain significance (1 of 4 stars; one submission).

Submission:

GeneDx
Classification: Uncertain significance. Last evaluated: 2025-07-25. Review status: criteria provided, single submitter. Criteria: GeneDx Variant Classification Process June 2021. Collection method: clinical testing. Allele origin: germline. Affected: yes.
Comment: Not observed at significant frequency in large population cohorts (gnomAD); Has not been previously published as pathogenic or benign to our knowledge; In silico analysis suggests this variant may impact gene splicing. In the absence of RNA/functional studies, the actual effect of this sequence change is unknown.